The following is an entry in ClinVar:

NM_005228.5(EGFR):c.1483G>A (p.Gly495Ser)

Gene: EGFR (epidermal growth factor receptor; plus strand). Cytogenetic location: 7p11.2.
Variant type: single nucleotide variant.
Coding change: c.1483G>A on transcript NM_005228.5 (MANE Select); coding-DNA position 1483, G replaced by A.
Protein change: p.Gly495Ser; replaces glycine 495 with serine.
Molecular consequence: missense variant.
Genome position (GRCh38, 1-based): chr7:55,160,323, G>A. VCF-style: chr7-55160323-G-A. GRCh37 (hg19) VCF-style: chr7-55228016-G-A.
Other names: c.1348G>A, p.Gly450Ser (NM_001346897.2, NM_001346899.2); c.1483G>A, p.Gly495Ser (NM_001346898.2, NM_201282.2, NM_201284.2); c.1324G>A, p.Gly442Ser (NM_001346900.2); c.682G>A, p.Gly228Ser (NM_001346941.2); short protein forms G495S, G228S, G450S, G442S.
Identifiers: ClinVar variation 1387362 (VCV001387362.6), dbSNP rs2128941742, ClinGen allele CA367579709.
Genomic context (GRCh38, chr7:55,160,323, plus strand): 5'-ATAAACTGGAAAAAACTGTTTGGGACCTCCGGTCAGAAAACCAAAATTATAAGCAACAGA[G>A]GTGAAAACAGCTGCAGTAAGTCACCGCTTTCTGTTTAGTTTATGGAGTTGGTTCTAATGG-3'
Protein context (NP_005219.2, residues 485-505): GQKTKIISNR[Gly495Ser]ENSCKATGQV

ClinVar aggregate classification (germline): Uncertain significance (1 of 4 stars; one submission).

Conditions:
EGFR-related lung cancer (EGFR). Identifiers: MedGen CN130014.

Submission:

Labcorp Genetics (formerly Invitae), Labcorp
Classification: Uncertain significance for EGFR-related lung cancer. Last evaluated: 2021-10-15. Review status: criteria provided, single submitter. Criteria: Invitae Variant Classification Sherloc (09022015). Collection method: clinical testing. Allele origin: germline.
Comment: This variant is not present in population databases (ExAC no frequency). This sequence change replaces glycine with serine at codon 495 of the EGFR protein (p.Gly495Ser). The glycine residue is weakly conserved and there is a small physicochemical difference between glycine and serine. This variant has not been reported in the literature in individuals affected with EGFR-related conditions. Algorithms developed to predict the effect of missense changes on protein structure and function output the following: SIFT: "Tolerated"; PolyPhen-2: "Benign"; Align-GVGD: "Class C0". The serine amino acid residue is found in multiple mammalian species, which suggests that this missense change does not adversely affect protein function. In summary, the available evidence is currently insufficient to determine the role of this variant in disease. Therefore, it has been classified as a Variant of Uncertain Significance.